The following is an entry in ClinVar:

NM_001903.5(CTNNA1):c.2286C>T (p.Thr762=)

Gene: CTNNA1 (catenin alpha 1; plus strand). Cytogenetic location: 5q31.2.
Variant type: single nucleotide variant.
Coding change: c.2286C>T on transcript NM_001903.5 (MANE Select); coding-DNA position 2286, C replaced by T.
Protein change: p.Thr762=; no amino-acid change (threonine 762 retained).
Molecular consequence: synonymous variant.
Genome position (GRCh38, 1-based): chr5:138,930,923, C>T. VCF-style: chr5-138930923-C-T. GRCh37 (hg19) VCF-style: chr5-138266612-C-T.
Other names: c.1176C>T, p.Thr392= (NM_001323995.1, NM_001323996.1, NM_001323997.1 and 17 more transcripts); c.2286C>T, p.Thr762= (NM_001323983.1, NM_001323984.2, NM_001323985.2 and 2 more transcripts); c.2193C>T, p.Thr731= (NM_001323986.2); c.1917C>T, p.Thr639= (NM_001290310.3); c.1977C>T, p.Thr659= (NM_001290309.3); c.837C>T, p.Thr279= (NM_001324006.1, NM_001324007.1, NM_001324008.1 and 2 more transcripts); c.1083C>T, p.Thr361= (NM_001324011.1); c.933C>T, p.Thr311= (NM_001324012.1, NM_001324013.1).
Identifiers: ClinVar variation 1789011 (VCV001789011.3), dbSNP rs1308995426, ClinGen allele CA446598151.

ClinVar aggregate classification (germline): Benign/Likely benign. Review status: criteria provided, multiple submitters, no conflicts (2 of 4 stars). 2 submissions from 2 submitters: Benign (1); Likely benign (1). Last evaluated 2024-10-15.

Conditions:
Hereditary cancer-predisposing syndrome. Also called: Tumor predisposition; Neoplastic Syndromes, Hereditary; Hereditary Cancer Syndrome; Hereditary neoplastic syndrome. Identifiers: Orphanet 140162, MedGen C0027672, MeSH D009386, MONDO:0015356.
Hereditary diffuse gastric adenocarcinoma (HDGC). Also called: DIFFUSE GASTRIC AND LOBULAR BREAST CANCER SYNDROME. Identifiers: Orphanet 26106, MedGen C1708349, MONDO:0007648, OMIM 137215.

Allele frequency attached by ClinVar (database versions not stated): gnomAD exomes below 0.00001; TOPMed below 0.00001.
gnomAD v4.1: 2 of 1,611,910 alleles (0.00012%); highest among the groups gnomAD compares: African/African-American, 0.0013%; no homozygotes.

Submissions (2):

Myriad Genetics, Inc.
Classification: Benign for Hereditary diffuse gastric adenocarcinoma. Last evaluated: 2024-10-15. Review status: criteria provided, single submitter. Criteria: Myriad Autosomal Dominant, Autosomal Recessive and X-Linked Classification Criteria (2023). Collection method: clinical testing. Allele origin: unknown.
Comment: This variant is considered benign. This variant is a silent/synonymous amino acid change and it is not expected to impact splicing.

Ambry Genetics
Classification: Likely benign for Hereditary cancer-predisposing syndrome. Last evaluated: 2022-08-24. Review status: criteria provided, single submitter. Criteria: Ambry Variant Classification Scheme 2023. Collection method: clinical testing. Allele origin: germline.